The following is an entry in ClinVar:

ClinVar aggregate classification (germline): Uncertain significance (1 of 4 stars; one submission).

Allele frequency attached by ClinVar (database versions not stated): gnomAD exomes 0.00001.
gnomAD v4.1: 19 of 1,614,262 alleles (0.0012%); highest among the groups gnomAD compares: Non-Finnish European, 0.0013%; no homozygotes.

Submission:

Labcorp Genetics (formerly Invitae), Labcorp
Classification: Uncertain significance. Last evaluated: 2022-02-06. Review status: criteria provided, single submitter. Criteria: Invitae Variant Classification Sherloc (09022015). Collection method: clinical testing. Allele origin: germline.
Comment: This sequence change replaces valine, which is neutral and non-polar, with methionine, which is neutral and non-polar, at codon 800 of the TMPRSS15 protein (p.Val800Met). This variant is present in population databases (no rsID available, gnomAD 0.0009%). This variant has not been reported in the literature in individuals affected with TMPRSS15-related conditions. Algorithms developed to predict the effect of missense changes on protein structure and function are either unavailable or do not agree on the potential impact of this missense change (SIFT: "Not Available"; PolyPhen-2: "Probably Damaging"; Align-GVGD: "Not Available"). In summary, the available evidence is currently insufficient to determine the role of this variant in disease. Therefore, it has been classified as a Variant of Uncertain Significance.

NM_002772.3(TMPRSS15):c.2398G>A (p.Val800Met)

Gene: TMPRSS15 (transmembrane serine protease 15; minus strand). Cytogenetic location: 21q21.1.
Variant type: single nucleotide variant.
Coding change: c.2398G>A on transcript NM_002772.3 (MANE Select); coding-DNA position 2398, G replaced by A.
Protein change: p.Val800Met; replaces valine 800 with methionine.
Molecular consequence: missense variant.
Genome position (GRCh38, 1-based): chr21:18,294,358, C>T on the plus strand (G>A on the coding strand, the complement: TMPRSS15 is on the minus strand). VCF-style: chr21-18294358-C-T. GRCh37 (hg19) VCF-style: chr21-19666675-C-T.
Other names: short protein forms V800M.
Identifiers: ClinVar variation 2093711 (VCV002093711.1), dbSNP rs1176896947, ClinGen allele CA409848411.